The following is an entry in ClinVar:

NM_000059.4(BRCA2):c.7744G>A (p.Ala2582Thr)

Gene: BRCA2 (BRCA2 DNA repair associated; plus strand). Cytogenetic location: 13q13.1.
Variant type: single nucleotide variant.
Coding change: c.7744G>A on transcript NM_000059.4 (MANE Select); coding-DNA position 7744, G replaced by A.
Protein change: p.Ala2582Thr; replaces alanine 2582 with threonine.
Molecular consequence: missense variant.
Genome position (GRCh38, 1-based): chr13:32,357,868, G>A. VCF-style: chr13-32357868-G-A. GRCh37 (hg19) VCF-style: chr13-32932005-G-A.
Other names: short protein forms A2582T.
Identifiers: ClinVar variation 233407 (VCV000233407.17), dbSNP rs876660384, ClinGen allele CA10579751.

ClinVar aggregate classification (germline): Conflicting classifications of pathogenicity. Review status: criteria provided, conflicting classifications (1 of 4 stars). 3 submissions from 3 submitters: Uncertain significance (2); Likely benign (1). Last evaluated 2024-10-15.

Conditions:
Hereditary cancer-predisposing syndrome. Also called: Neoplastic Syndromes, Hereditary; Tumor predisposition; Hereditary Cancer Syndrome; Hereditary neoplastic syndrome. Identifiers: Orphanet 140162, MedGen C0027672, MeSH D009386, MONDO:0015356.
Hereditary breast ovarian cancer syndrome. Also called: Hereditary breast and ovarian cancer syndrome; BRCA1- and BRCA2-Associated Hereditary Breast and Ovarian Cancer; Breast and ovarian cancer; Hereditary breast and/or ovarian cancer syndrome; Hereditary breast and ovarian cancer; Hereditary breast and ovarian cancer syndrome (HBOC). Identifiers: Orphanet 145, MedGen C0677776, MeSH D061325, MONDO:0003582. Disease mechanism: loss of function.

gnomAD v4.1: 1 of 1,614,096 alleles (0.000062%); highest among the groups gnomAD compares: South Asian, 0.0011%; no homozygotes.

Submissions (3):

Labcorp Genetics (formerly Invitae), Labcorp
Classification: Uncertain significance for Hereditary breast ovarian cancer syndrome. Last evaluated: 2024-10-15. Review status: criteria provided, single submitter. Criteria: Invitae Variant Classification Sherloc (09022015). Collection method: clinical testing. Allele origin: germline.
Comment: This sequence change replaces alanine, which is neutral and non-polar, with threonine, which is neutral and polar, at codon 2582 of the BRCA2 protein (p.Ala2582Thr). This variant is not present in population databases (gnomAD no frequency). This variant has not been reported in the literature in individuals affected with BRCA2-related conditions. ClinVar contains an entry for this variant (Variation ID: 233407). Invitae Evidence Modeling incorporating data from in vitro experimental studies (PMID: 33609447) indicates that this missense variant is not expected to disrupt BRCA2 function with a negative predictive value of 95%. In summary, the available evidence is currently insufficient to determine the role of this variant in disease. Therefore, it has been classified as a Variant of Uncertain Significance.

Color Diagnostics, LLC DBA Color Health
Classification: Uncertain significance for Hereditary cancer-predisposing syndrome. Last evaluated: 2021-10-25. Review status: criteria provided, single submitter. Criteria: ACMG Guidelines, 2015. Collection method: clinical testing. Allele origin: germline.
Comment: This missense variant replaces alanine with threonine at codon 2582 of the BRCA2 protein. Computational prediction suggests that this variant may have deleterious impact on protein structure and function (internally defined REVEL score threshold >= 0.7, PMID: 27666373). However, a functional study has reported that this variant does not impact BRCA2 function in a homology-directed repair assay (PMID: 33609447). This variant has not been reported in individuals affected with hereditary cancer in the literature. This variant has not been identified in the general population by the Genome Aggregation Database (gnomAD). The available evidence is insufficient to determine the role of this variant in disease conclusively. Therefore, this variant is classified as a Variant of Uncertain Significance.

Ambry Genetics
Classification: Likely benign for Hereditary cancer-predisposing syndrome. Last evaluated: 2020-02-25. Review status: criteria provided, single submitter. Criteria: Ambry Variant Classification Scheme 2023. Collection method: clinical testing. Allele origin: germline.

Literature cited by the submitters: PubMed 33609447 (cited by Labcorp Genetics (formerly Invitae), Labcorp and Color Diagnostics, LLC DBA Color Health).